The following is an entry in ClinVar:

NM_001079.4(ZAP70):c.550G>A (p.Asp184Asn)

Gene: ZAP70 (zeta chain of T cell receptor associated protein kinase 70; plus strand). Cytogenetic location: 2q11.2.
Variant type: single nucleotide variant.
Coding change: c.550G>A on transcript NM_001079.4 (MANE Select); coding-DNA position 550, G replaced by A.
Protein change: p.Asp184Asn; replaces aspartic acid 184 with asparagine.
Molecular consequence: missense variant.
Genome position (GRCh38, 1-based): chr2:97,725,239, G>A. VCF-style: chr2-97725239-G-A. GRCh37 (hg19) VCF-style: chr2-98341702-G-A.
Other names: c.550G>A, p.Asp184Asn (NM_001378594.1); short protein forms D184N.
Identifiers: ClinVar variation 1373043 (VCV001373043.6), dbSNP rs1677339999, ClinGen allele CA347793352.

ClinVar aggregate classification (germline): Uncertain significance (1 of 4 stars; one submission).

Conditions:
Combined immunodeficiency due to ZAP70 deficiency (IMD48). Also called: Immunodeficiency 48; ZAP70 Deficiency. Identifiers: Orphanet 911, MedGen C2931299, MONDO:0010023, OMIM 269840.

Allele frequency attached by ClinVar (database versions not stated): TOPMed below 0.00001; gnomAD exomes below 0.00001.

Submission:

Labcorp Genetics (formerly Invitae), Labcorp
Classification: Uncertain significance for Combined immunodeficiency due to ZAP70 deficiency. Last evaluated: 2021-10-09. Review status: criteria provided, single submitter. Criteria: Invitae Variant Classification Sherloc (09022015). Collection method: clinical testing. Allele origin: germline.
Comment: This sequence change replaces aspartic acid with asparagine at codon 184 of the ZAP70 protein (p.Asp184Asn). The aspartic acid residue is highly conserved and there is a small physicochemical difference between aspartic acid and asparagine. This variant is not present in population databases (ExAC no frequency). This variant has not been reported in the literature in individuals affected with ZAP70-related conditions. Algorithms developed to predict the effect of missense changes on protein structure and function are either unavailable or do not agree on the potential impact of this missense change (SIFT: "Not Available"; PolyPhen-2: "Benign"; Align-GVGD: "Not Available"). In summary, the available evidence is currently insufficient to determine the role of this variant in disease. Therefore, it has been classified as a Variant of Uncertain Significance.